The following is an entry in ClinVar:

NM_015978.3(TNNI3K):c.944A>G (p.Tyr315Cys)

Genes: FPGT-TNNI3K (FPGT-TNNI3K readthrough; plus strand), TNNI3K (TNNI3 interacting kinase; plus strand). Cytogenetic location: 1p31.1.
Variant type: single nucleotide variant.
Coding change: c.944A>G on transcript NM_015978.3 (MANE Select); coding-DNA position 944, A replaced by G.
Protein change: p.Tyr315Cys; replaces tyrosine 315 with cysteine.
Molecular consequence: missense variant.
Genome position (GRCh38, 1-based): chr1:74,353,277, A>G. VCF-style: chr1-74353277-A-G. GRCh37 (hg19) VCF-style: chr1-74818961-A-G.
Other names: c.1286A>G (NM_001112808.2); c.1247A>G, p.Tyr416Cys (NM_001112808.3, NM_001199327.2); short protein forms Y315C, Y416C.
Identifiers: ClinVar variation 1442706 (VCV001442706.7), dbSNP rs375033470, ClinGen allele CA909090.
Genomic context (GRCh38, chr1:74,353,277, plus strand): 5'-TCATAACAAGGACCTTCTATCTTTCTTGTTTTATGGTTTTTTTTTTCAGTGCTTGTACCT[A>G]TGGCAAGAGCATTGACCTAGTCAAATTTCTTCTTGATCAGAATGTCATAAACATCAACCA-3'
Protein context (NP_057062.1, residues 305-325): SETAFHSACT[Tyr315Cys]GKSIDLVKFL

ClinVar aggregate classification (germline): Uncertain significance. Review status: criteria provided, multiple submitters, no conflicts (2 of 4 stars). 2 submissions from 2 submitters: Uncertain significance (2). Last evaluated 2025-12-08.

Allele frequency attached by ClinVar (database versions not stated): gnomAD exomes 0.00001 and 0.00002; ExAC 0.00002; TOPMed 0.00006; ESP Exome Variant Server 0.00008; gnomAD 0.00008 and 0.00009.
gnomAD v4.1: 29 of 1,613,138 alleles (0.0018%); highest among the groups gnomAD compares: African/African-American, 0.021%; no homozygotes.

Submissions (2):

Labcorp Genetics (formerly Invitae), Labcorp
Classification: Uncertain significance. Last evaluated: 2025-12-08. Review status: criteria provided, single submitter. Criteria: Invitae Variant Classification Sherloc (09022015). Collection method: clinical testing. Allele origin: germline.
Comment: This sequence change replaces tyrosine, which is neutral and polar, with cysteine, which is neutral and slightly polar, at codon 315 of the TNNI3K protein (p.Tyr315Cys). This variant is present in population databases (rs375033470, gnomAD 0.02%). This variant has not been reported in the literature in individuals affected with TNNI3K-related conditions. ClinVar contains an entry for this variant (Variation ID: 1442706). Invitae Evidence Modeling of protein sequence and biophysical properties (such as structural, functional, and spatial information, amino acid conservation, physicochemical variation, residue mobility, and thermodynamic stability) indicates that this missense variant is not expected to disrupt TNNI3K protein function with a negative predictive value of 80%. In summary, the available evidence is currently insufficient to determine the role of this variant in disease. Therefore, it has been classified as a Variant of Uncertain Significance.

Ambry Genetics
Classification: Uncertain significance. Last evaluated: 2024-12-25. Review status: criteria provided, single submitter. Criteria: Ambry Variant Classification Scheme 2023. Collection method: clinical testing. Allele origin: germline.